The following is an entry in ClinVar:

NM_001111067.4(ACVR1):c.700G>A (p.Val234Met)

Gene: ACVR1 (activin A receptor type 1; minus strand). Cytogenetic location: 2q24.1.
Variant type: single nucleotide variant.
Coding change: c.700G>A on transcript NM_001111067.4 (MANE Select); coding-DNA position 700, G replaced by A.
Protein change: p.Val234Met; replaces valine 234 with methionine.
Molecular consequence: missense variant.
Genome position (GRCh38, 1-based): chr2:157,770,458, C>T on the plus strand (G>A on the coding strand, the complement: ACVR1 is on the minus strand). VCF-style: chr2-157770458-C-T. GRCh37 (hg19) VCF-style: chr2-158626970-C-T.
Other names: c.700G>A, p.Val234Met (NM_001105.5, NM_001347663.1, NM_001347664.1 and 3 more transcripts); short protein forms V234M.
Identifiers: ClinVar variation 3699247 (VCV003699247.2).
Genomic context (GRCh38, chr2:157,770,458, plus strand): 5'-TGTTGTACAATTCCGTTTCCCTGAACCATGACTTCTCATCACGGGAGGAGAAGATCTTCA[C>T]GGCAACATTCTCCCCTTGCCAGCTGCCCCTCCACACCTCACCATACCTGCCTTTCCCTAT-3'
Protein context (NP_001104537.1, residues 224-244): RGSWQGENVA[Val234Met]KIFSSRDEKS

ClinVar aggregate classification (germline): Uncertain significance (1 of 4 stars; one submission).

gnomAD v4.1: 5 of 1,613,966 alleles (0.00031%); highest among the groups gnomAD compares: African/African-American, 0.0013%; no homozygotes.

Submission:

Labcorp Genetics (formerly Invitae), Labcorp
Classification: Uncertain significance. Last evaluated: 2024-10-17. Review status: criteria provided, single submitter. Criteria: Invitae Variant Classification Sherloc (09022015). Collection method: clinical testing. Allele origin: germline.
Comment: This sequence change replaces valine, which is neutral and non-polar, with methionine, which is neutral and non-polar, at codon 234 of the ACVR1 protein (p.Val234Met). This variant is present in population databases (no rsID available, gnomAD 0.003%). This variant has not been reported in the literature in individuals affected with ACVR1-related conditions. An algorithm developed to predict the effect of missense changes on protein structure and function (PolyPhen-2) suggests that this variant is likely to be disruptive. In summary, the available evidence is currently insufficient to determine the role of this variant in disease. Therefore, it has been classified as a Variant of Uncertain Significance.